The following is an entry in ClinVar:

ClinVar aggregate classification (germline): Conflicting classifications of pathogenicity. Review status: criteria provided, conflicting classifications (1 of 4 stars). 6 submissions from 6 submitters: Uncertain significance (5); Likely benign (1). Last evaluated 2026-05-16.

Conditions:
BARD1-related disorder. Also called: BARD1-related condition.
Hereditary cancer-predisposing syndrome. Also called: Neoplastic Syndromes, Hereditary; Hereditary Cancer Syndrome; Tumor predisposition; Hereditary neoplastic syndrome. Identifiers: Orphanet 140162, MedGen C0027672, MeSH D009386, MONDO:0015356.
Familial cancer of breast. Also called: BREAST CANCER, FAMILIAL; Hereditary breast cancer; hereditary breast carcinoma. Identifiers: Orphanet 227535, MedGen C0346153, MONDO:0016419, OMIM 114480. Disease mechanism: loss of function.

Allele frequency attached by ClinVar (database versions not stated): ExAC 0.00001; gnomAD exomes 0.00001; gnomAD 0.00002; TOPMed 0.00003; ESP Exome Variant Server 0.00015.
gnomAD v4.1: 13 of 1,613,668 alleles (0.00081%); highest among the groups gnomAD compares: African/African-American, 0.016%; no homozygotes.

Submissions (6):

PreventionGenetics, part of Exact Sciences
Classification: Uncertain significance for BARD1-related condition. Last evaluated: 2026-05-16. Review status: criteria provided, single submitter. Criteria: ACMG Guidelines, 2015. Collection method: clinical testing. Allele origin: germline.
Comment: The BARD1 c.1838C>A variant is predicted to result in the amino acid substitution p.Ala613Glu. To our knowledge, this variant has not been reported in the literature. This variant is reported in 0.012% of alleles in individuals of African descent in gnomAD, and has conflicting interpretations of pathogenicity in ClinVar of uncertain significance and likely benign (Variation ID: 481379). At this time, the clinical significance of this variant is uncertain due to the absence of conclusive functional and genetic evidence.

Labcorp Genetics (formerly Invitae), Labcorp
Classification: Uncertain significance for Familial cancer of breast. Last evaluated: 2026-01-19. Review status: criteria provided, single submitter. Criteria: Invitae Variant Classification Sherloc (09022015). Collection method: clinical testing. Allele origin: germline.
Comment: This sequence change replaces alanine, which is neutral and non-polar, with glutamic acid, which is acidic and polar, at codon 613 of the BARD1 protein (p.Ala613Glu). This variant is present in population databases (rs146629794, gnomAD 0.01%). This variant has not been reported in the literature in individuals affected with BARD1-related conditions. ClinVar contains an entry for this variant (Variation ID: 481379). An algorithm developed to predict the effect of missense changes on protein structure and function outputs the following: PolyPhen-2: "Benign". The glutamic acid amino acid residue is found in multiple mammalian species, which suggests that this missense change does not adversely affect protein function. In summary, the available evidence is currently insufficient to determine the role of this variant in disease. Therefore, it has been classified as a Variant of Uncertain Significance.

Color Diagnostics, LLC DBA Color Health
Classification: Uncertain significance for Hereditary cancer-predisposing syndrome. Last evaluated: 2025-12-16. Review status: criteria provided, single submitter. Criteria: ACMG Guidelines, 2015. Collection method: clinical testing. Allele origin: germline.
Comment: This missense variant replaces alanine with glutamic acid at codon 613 of the BARD1 protein. Computational prediction suggests that this variant may not impact protein structure and function. To our knowledge, functional studies have not been reported for this variant. This variant has not been reported in individuals affected with BARD1-related disorders in the literature. This variant has been identified in 13/1613668 chromosomes in the general population by the Genome Aggregation Database (gnomAD). The available evidence is insufficient to determine the role of this variant in disease conclusively. Therefore, this variant is classified as a Variant of Uncertain Significance.

GeneDx
Classification: Uncertain significance. Last evaluated: 2024-10-22. Review status: criteria provided, single submitter. Criteria: GeneDx Variant Classification Process June 2021. Collection method: clinical testing. Allele origin: germline. Affected: yes.
Comment: Not observed at significant frequency in large population cohorts (gnomAD); In silico analysis indicates that this missense variant does not alter protein structure/function; Has not been previously published as pathogenic or benign to our knowledge; This variant is associated with the following publications: (PMID: 23056176, 17550235)

Ambry Genetics
Classification: Likely benign for Hereditary cancer-predisposing syndrome. Last evaluated: 2024-02-26. Review status: criteria provided, single submitter. Criteria: Ambry Variant Classification Scheme 2023. Collection method: clinical testing. Allele origin: germline.

Mayo Clinic Laboratories, Mayo Clinic
Classification: Uncertain significance. Last evaluated: 2023-05-04. Review status: criteria provided, single submitter. Criteria: ACMG Guidelines, 2015. Collection method: clinical testing. Allele origin: germline. Observed: 1 variant allele.
Comment: BP4, PM2

NM_000465.4(BARD1):c.1838C>A (p.Ala613Glu)

Gene: BARD1 (BRCA1 associated RING domain 1; minus strand). Cytogenetic location: 2q35.
Variant type: single nucleotide variant.
Coding change: c.1838C>A on transcript NM_000465.4 (MANE Select); coding-DNA position 1838, C replaced by A.
Protein change: p.Ala613Glu; replaces alanine 613 with glutamic acid.
Molecular consequence: missense variant. On other transcripts: non-coding transcript variant (3), intron variant (1).
Genome position (GRCh38, 1-based): chr2:214,745,132, G>T on the plus strand (C>A on the coding strand, the complement: BARD1 is on the minus strand). VCF-style: chr2-214745132-G-T. GRCh37 (hg19) VCF-style: chr2-215609856-G-T.
Other names: p.Ala613Glu; c.1781C>A, p.Ala594Glu (NM_001282543.2); c.485C>A, p.Ala162Glu (NM_001282545.2); c.428C>A, p.Ala143Glu (NM_001282548.2); c.365-14624C>A (NM_001282549.2); short protein forms A613E, A594E, A162E, A143E.
Identifiers: ClinVar variation 481379 (VCV000481379.23), dbSNP rs146629794, ClinGen allele CA2090152.
Genomic context (GRCh38, chr2:214,745,132, plus strand): 5'-AATTTTAGAATCCAGCATCCATTGAGAATCCCAAGCATACACTTCAAGGTACTTTGAACT[G>T]CATCACCAGGAACAACAACATGAGTTACTAAAATACAAAAAAAGCAGTAAGAGAAAGAAA-3'
Protein context (NP_000456.2, residues 603-623): TVTHVVVPGD[Ala613Glu]VQSTLKCMLG